The following is an entry in ClinVar:

NM_005609.4(PYGM):c.1343C>T (p.Ala448Val)

Gene: PYGM (glycogen phosphorylase, muscle associated; minus strand). Cytogenetic location: 11q13.1.
Variant type: single nucleotide variant.
Coding change: c.1343C>T on transcript NM_005609.4 (MANE Select); coding-DNA position 1343, C replaced by T.
Protein change: p.Ala448Val; replaces alanine 448 with valine.
Molecular consequence: missense variant.
Genome position (GRCh38, 1-based): chr11:64,753,579, G>A on the plus strand (C>T on the coding strand, the complement: PYGM is on the minus strand). VCF-style: chr11-64753579-G-A. GRCh37 (hg19) VCF-style: chr11-64521051-G-A.
Other names: c.1079C>T, p.Ala360Val (NM_001164716.1); short protein forms A448V, A360V.
Identifiers: ClinVar variation 193885 (VCV000193885.18), dbSNP rs370291854, ClinGen allele CA239582.

ClinVar aggregate classification (germline): Uncertain significance. Review status: criteria provided, multiple submitters, no conflicts (2 of 4 stars). 5 submissions from 5 submitters: Uncertain significance (5). Last evaluated 2023-05-29.

Conditions:
Glycogen storage disease, type V (GSD5). Also called: MCARDLE DISEASE; MUSCLE GLYCOGEN PHOSPHORYLASE DEFICIENCY; MYOPHOSPHORYLASE DEFICIENCY; PYGM DEFICIENCY; McArdle type glycogen storage disease. Identifiers: Orphanet 368, MedGen C0017924, MONDO:0009293, OMIM 232600.

Allele frequency attached by ClinVar (database versions not stated): gnomAD exomes 0.00001; TOPMed 0.00002; gnomAD 0.00003; ESP Exome Variant Server 0.00008.
gnomAD v4.1: 24 of 1,605,862 alleles (0.0015%); highest among the groups gnomAD compares: Admixed American, 0.0034%; no homozygotes.

Submissions (5):

Revvity Omics, Revvity
Classification: Uncertain significance for Glycogen storage disease, type V. Last evaluated: 2023-05-29. Review status: criteria provided, single submitter. Criteria: ACMG Guidelines, 2015. Collection method: clinical testing. Allele origin: germline.

Labcorp Genetics (formerly Invitae), Labcorp
Classification: Uncertain significance for Glycogen storage disease, type V. Last evaluated: 2022-07-21. Review status: criteria provided, single submitter. Criteria: Invitae Variant Classification Sherloc (09022015). Collection method: clinical testing. Allele origin: germline.
Comment: This sequence change replaces alanine, which is neutral and non-polar, with valine, which is neutral and non-polar, at codon 448 of the PYGM protein (p.Ala448Val). This variant is present in population databases (rs370291854, gnomAD 0.006%). This variant has not been reported in the literature in individuals affected with PYGM-related conditions. ClinVar contains an entry for this variant (Variation ID: 193885). Algorithms developed to predict the effect of missense changes on protein structure and function are either unavailable or do not agree on the potential impact of this missense change (SIFT: "Not Available"; PolyPhen-2: "Benign"; Align-GVGD: "Not Available"). In summary, the available evidence is currently insufficient to determine the role of this variant in disease. Therefore, it has been classified as a Variant of Uncertain Significance.

Mayo Clinic Laboratories, Mayo Clinic
Classification: Uncertain significance. Last evaluated: 2020-12-17. Review status: criteria provided, single submitter. Criteria: ACMG Guidelines, 2015. Collection method: clinical testing. Allele origin: germline. Observed: 1 variant allele.

Illumina Laboratory Services, Illumina
Classification: Uncertain significance for Glycogen storage disease, type V. Last evaluated: 2018-01-12. Review status: criteria provided, single submitter. Criteria: ICSL Variant Classification Criteria 13 December 2019. Collection method: clinical testing. Allele origin: germline.

Eurofins Ntd Llc (ga)
Classification: Uncertain significance. Last evaluated: 2015-03-06. Review status: criteria provided, single submitter. Criteria: EGL Classification Definitions 2015. Collection method: clinical testing. Allele origin: germline. Observed: 1 variant allele, 1 heterozygote.